The following is an entry in ClinVar:

ClinVar aggregate classification (germline): Uncertain significance (1 of 4 stars; one submission).

Submission:

GeneDx
Classification: Uncertain significance. Last evaluated: 2023-05-11. Review status: criteria provided, single submitter. Criteria: GeneDx Variant Classification Process June 2021. Collection method: clinical testing. Allele origin: germline. Affected: yes.
Comment: Not observed at significant frequency in large population cohorts (gnomAD); In silico analysis supports that this missense variant has a deleterious effect on protein structure/function; Has not been previously published as pathogenic or benign to our knowledge

NM_032217.5(ANKRD17):c.1393G>A (p.Asp465Asn)

Gene: ANKRD17 (ankyrin repeat domain 17; minus strand). Cytogenetic location: 4q13.3.
Variant type: single nucleotide variant.
Coding change: c.1393G>A on transcript NM_032217.5 (MANE Select); coding-DNA position 1393, G replaced by A.
Protein change: p.Asp465Asn; replaces aspartic acid 465 with asparagine.
Molecular consequence: missense variant.
Genome position (GRCh38, 1-based): chr4:73,148,987, C>T on the plus strand (G>A on the coding strand, the complement: ANKRD17 is on the minus strand). VCF-style: chr4-73148987-C-T. GRCh37 (hg19) VCF-style: chr4-74014704-C-T.
Other names: c.1054G>A, p.Asp352Asn (NM_001286771.3); c.1393G>A, p.Asp465Asn (NM_015574.2, NM_198889.3); short protein forms D352N, D465N.
Identifiers: ClinVar variation 2662990 (VCV002662990.1), dbSNP rs2531152306, ClinGen allele CA357226793.